The following is an entry in ClinVar:

ClinVar aggregate classification (germline): Pathogenic (1 of 4 stars; one submission).

Conditions:
Hereditary nonpolyposis colon cancer (HNPCC). Also called: Hereditary nonpolyposis colorectal cancer; Familial nonpolyposis colon cancer; Hereditary Nonpolyposis Colorectal Cancer Syndrome. Identifiers: Orphanet 443909, MedGen C1333990, MONDO:0018630. Disease mechanism: loss of function.

Submission:

Women's Health and Genetics/Laboratory Corporation of America, LabCorp
Classification: Pathogenic for Hereditary nonpolyposis colon cancer. Last evaluated: 2025-03-06. Review status: criteria provided, single submitter. Criteria: LabCorp Variant Classification Summary - May 2015. Collection method: clinical testing. Allele origin: germline.
Comment: Variant summary: The variant involves the deletion of exon 10 in the PMS2 gene. This Copy Number Variant (CNV) is predicted to result in an in-frame deletion within this gene. A presumed nomenclature of c.(988+1_989-1)_(1144+1_1145-1)del has been designated for the purposes of this classification. The variant was absent in 21694 control chromosomes in the gnomAD database (Structural Variants v2.1 dataset). Deletion of exon 10 has been reported in the literature in multiple affected individuals (Goodenberger_2016, Brea-Fernandez_2013, Tomsic_2013, Senter_2008). These data indicate that the variant is very likely to be associated with disease. Experimental evidence evaluating an impact on protein function demonstrated solitary loss of PMS2 expression in colorectal tumors (Tomsic_2013). The following publications have been ascertained in the context of this evaluation (PMID: 23837913, 25856668, 26895986, 18602922, 22577899). ClinVar contains an entry for this variant (Variation ID: 216076). Based on the evidence outlined above, the variant was classified as pathogenic.

Literature cited by the submitters: PubMed 23837913; PubMed 18602922; PubMed 22577899; PubMed 25856668; PubMed 26895986.

NC_000007.14:g.(5987621_5989799)_(5989956_5991972)del

Gene: PMS2 (PMS1 homolog 2, mismatch repair system component; minus strand). Cytogenetic location: 7p22.1.
Variant type: Deletion.
Identifiers: ClinVar variation 982011 (VCV000982011.2).